The following is an entry in ClinVar:

ClinVar aggregate classification (germline): Uncertain significance. Review status: criteria provided, multiple submitters, no conflicts (2 of 4 stars). 3 submissions from 3 submitters: Uncertain significance (3). Last evaluated 2024-12-02.

Conditions:
Inborn genetic diseases. Identifiers: MedGen C0950123, MeSH D030342.

Allele frequency attached by ClinVar (database versions not stated): ExAC 0.00004; gnomAD exomes 0.00004; ESP Exome Variant Server 0.00008; gnomAD 0.00009; TOPMed 0.00010.
gnomAD v4.1: 32 of 1,614,086 alleles (0.002%); highest among the groups gnomAD compares: African/African-American, 0.035%; no homozygotes.

Submissions (3):

Labcorp Genetics (formerly Invitae), Labcorp
Classification: Uncertain significance. Last evaluated: 2024-12-02. Review status: criteria provided, single submitter. Criteria: Invitae Variant Classification Sherloc (09022015). Collection method: clinical testing. Allele origin: germline.
Comment: This sequence change replaces histidine, which is basic and polar, with leucine, which is neutral and non-polar, at codon 596 of the AGBL5 protein (p.His596Leu). This variant is present in population databases (rs149289474, gnomAD 0.04%). This variant has not been reported in the literature in individuals affected with AGBL5-related conditions. ClinVar contains an entry for this variant (Variation ID: 938100). An algorithm developed to predict the effect of missense changes on protein structure and function (PolyPhen-2) suggests that this variant¬†is likely to be tolerated. In summary, the available evidence is currently insufficient to determine the role of this variant in disease. Therefore, it has been classified as a Variant of Uncertain Significance.

Ambry Genetics
Classification: Uncertain significance for Inborn genetic diseases. Last evaluated: 2024-11-09. Review status: criteria provided, single submitter. Criteria: Ambry Variant Classification Scheme 2023. Collection method: clinical testing. Allele origin: germline.

Blueprint Genetics
Classification: Uncertain significance. Last evaluated: 2019-07-20. Review status: criteria provided, single submitter. Criteria: ACMG Guidelines, 2015. Collection method: clinical testing. Allele origin: germline.

NM_021831.6(AGBL5):c.1787A>T (p.His596Leu)

Gene: AGBL5 (AGBL carboxypeptidase 5; plus strand). Cytogenetic location: 2p23.3.
Variant type: single nucleotide variant.
Coding change: c.1787A>T on transcript NM_021831.6 (MANE Select); coding-DNA position 1787, A replaced by T.
Protein change: p.His596Leu; replaces histidine 596 with leucine.
Molecular consequence: missense variant. On other transcripts: non-coding transcript variant (2).
Genome position (GRCh38, 1-based): chr2:27,058,515, A>T. VCF-style: chr2-27058515-A-T. GRCh37 (hg19) VCF-style: chr2-27281383-A-T.
Other names: c.1787A>T, p.His596Leu (NM_001035507.3); short protein forms H596L.
Identifiers: ClinVar variation 938100 (VCV000938100.9), dbSNP rs149289474, ClinGen allele CA1567965.
Genomic context (GRCh38, chr2:27,058,515, plus strand): 5'-CCCGAATTGTACTGTCAGAGCACAGCAGCCTTACTAATCTACGGGCCTGGATGCTGAAAC[A>T]TGTACGCAACAGCCGAGGCCTAAGCAGCACTCTGAATGTGGGTGTCAACAAGAAGAGGGG-3'
Protein context (NP_068603.4, residues 586-606): LTNLRAWMLK[His596Leu]VRNSRGLSST